The following is an entry in ClinVar:

ClinVar aggregate classification (germline): Uncertain significance (1 of 4 stars; one submission).

Conditions:
HOXA2-related disorder. Also called: HOXA2-related condition.

gnomAD v4.1: 6 of 1,614,184 alleles (0.00037%); highest among the groups gnomAD compares: Middle Eastern, 0.016%; no homozygotes.

Submission:

PreventionGenetics, part of Exact Sciences
Classification: Uncertain significance for HOXA2-related condition. Last evaluated: 2025-12-23. Review status: criteria provided, single submitter. Criteria: ACMG Guidelines, 2015. Collection method: clinical testing. Allele origin: germline.
Comment: The HOXA2 c.1127A>G variant is predicted to result in the amino acid substitution p.Tyr376Cys. To our knowledge, this variant has not been reported in the literature or in a large population database (gnomAD), indicating this variant is rare. At this time, the clinical significance of this variant is uncertain due to the absence of conclusive functional and genetic evidence.

NM_006735.4(HOXA2):c.1127A>G (p.Tyr376Cys)

Gene: HOXA2 (homeobox A2; minus strand). Cytogenetic location: 7p15.2.
Variant type: single nucleotide variant.
Coding change: c.1127A>G on transcript NM_006735.4 (MANE Select); coding-DNA position 1127, A replaced by G.
Protein change: p.Tyr376Cys; replaces tyrosine 376 with cysteine.
Molecular consequence: missense variant.
Genome position (GRCh38, 1-based): chr7:27,100,730, T>C on the plus strand (A>G on the coding strand, the complement: HOXA2 is on the minus strand). VCF-style: chr7-27100730-T-C. GRCh37 (hg19) VCF-style: chr7-27140349-T-C.
Other names: short protein forms Y376C.
Identifiers: ClinVar variation 4982269 (VCV004982269.1).